The following is an entry in ClinVar:

ClinVar aggregate classification (germline): Uncertain significance (1 of 4 stars; one submission).

Conditions:
Baller-Gerold syndrome (BGS). Also called: CRANIOSYNOSTOSIS WITH RADIAL DEFECTS. Identifiers: Orphanet 1225, MedGen C0265308, MONDO:0009039, OMIM 218600.

Allele frequency attached by ClinVar (database versions not stated): gnomAD exomes below 0.00001.
gnomAD v4.1: 1 of 1,612,156 alleles (0.000062%); highest among the groups gnomAD compares: Non-Finnish European, 0.000085%; no homozygotes.

Submission:

Labcorp Genetics (formerly Invitae), Labcorp
Classification: Uncertain significance for Baller-Gerold syndrome. Last evaluated: 2022-05-16. Review status: criteria provided, single submitter. Criteria: Invitae Variant Classification Sherloc (09022015). Collection method: clinical testing. Allele origin: germline.
Comment: Algorithms developed to predict the effect of sequence changes on RNA splicing suggest that this variant may disrupt the consensus splice site. In summary, the available evidence is currently insufficient to determine the role of this variant in disease. Therefore, it has been classified as a Variant of Uncertain Significance. This variant has not been reported in the literature in individuals affected with RECQL4-related conditions. This variant is not present in population databases (gnomAD no frequency). This sequence change replaces glycine, which is neutral and non-polar, with aspartic acid, which is acidic and polar, at codon 1019 of the RECQL4 protein (p.Gly1019Asp).

NM_004260.4(RECQL4):c.3056G>A (p.Gly1019Asp)

Gene: RECQL4 (RecQ like helicase 4; minus strand). Cytogenetic location: 8q24.3.
Variant type: single nucleotide variant.
Coding change: c.3056G>A on transcript NM_004260.4 (MANE Select); coding-DNA position 3056, G replaced by A.
Protein change: p.Gly1019Asp; replaces glycine 1019 with aspartic acid.
Molecular consequence: missense variant.
Genome position (GRCh38, 1-based): chr8:144,512,324, C>T on the plus strand (G>A on the coding strand, the complement: RECQL4 is on the minus strand). VCF-style: chr8-144512324-C-T. GRCh37 (hg19) VCF-style: chr8-145737707-C-T.
Other names: c.1985G>A, p.Gly662Asp (NM_001413035.1, NM_001413040.1, NM_001413021.1 and 4 more transcripts); c.3056G>A, p.Gly1019Asp (NM_001413036.1); c.1853G>A, p.Gly618Asp (NM_001413037.1); c.1787G>A, p.Gly596Asp (NM_001413038.1, NM_001413031.1); c.3026G>A, p.Gly1009Asp (NM_001413039.1); c.1994G>A, p.Gly665Asp (NM_001413041.1); c.1955G>A, p.Gly652Asp (NM_001413042.1); c.1589G>A, p.Gly530Asp (NM_001413043.1); and 9 more; short protein forms G1044D, G618D, G652D, G665D, G902D, G921D, G1019D, G662D.
Identifiers: ClinVar variation 2135284 (VCV002135284.4), dbSNP rs2537982184, ClinGen allele CA372670985.